The following is an entry in ClinVar:

NM_001360016.2(G6PD):c.167T>C (p.Phe56Ser)

Gene: G6PD (glucose-6-phosphate dehydrogenase; minus strand). Cytogenetic location: Xq28.
Variant type: single nucleotide variant.
Coding change: c.167T>C on transcript NM_001360016.2 (MANE Select); coding-DNA position 167, T replaced by C.
Protein change: p.Phe56Ser; replaces phenylalanine 56 with serine.
Molecular consequence: missense variant.
Genome position (GRCh38, 1-based): chrX:154,536,037, A>G on the plus strand (T>C on the coding strand, the complement: G6PD is on the minus strand). VCF-style: chrX-154536037-A-G. GRCh37 (hg19) VCF-style: chrX-153764252-A-G.
Other names: c.257T>C, p.Phe86Ser (NM_000402.4); c.167T>C, p.Phe56Ser (NM_001042351.3); short protein forms F86S, F56S.
Identifiers: ClinVar variation 3641787 (VCV003641787.2).
Genomic context (GRCh38, chrX:154,536,037, plus strand): 5'-GTGAGGCGGGAACGGGCATAGCCCACGATGAAGGTGTTTTCGGGCAGAAGGCCATCCCGG[A>G]ACAGCCACCTGAGGGCAGGGCACAGCTGTAACCAGTGCGGGCAGGGCAGGACCAGGCCTG-3'
Protein context (NP_001346945.1, residues 46-66): KKIYPTIWWL[Phe56Ser]RDGLLPENTF

ClinVar aggregate classification (germline): Uncertain significance (1 of 4 stars; one submission).

Conditions:
Anemia, nonspherocytic hemolytic, due to G6PD deficiency (CNSHA1). Also called: Hemolytic anemia due to G6PD deficiency; ANEMIA, CONGENITAL, NONSPHEROCYTIC HEMOLYTIC, 1; Class I glucose-6-phosphate dehydrogenase deficiency; Favism, susceptibility to. Identifiers: Orphanet 466026, MedGen C2720289, MONDO:0010480, OMIM 300908.

Submission:

Labcorp Genetics (formerly Invitae), Labcorp
Classification: Uncertain significance for Anemia, nonspherocytic hemolytic, due to G6PD deficiency. Last evaluated: 2024-02-17. Review status: criteria provided, single submitter. Criteria: Invitae Variant Classification Sherloc (09022015). Collection method: clinical testing. Allele origin: germline.
Comment: This sequence change replaces phenylalanine, which is neutral and non-polar, with serine, which is neutral and polar, at codon 56 of the G6PD protein (p.Phe56Ser). This variant is not present in population databases (gnomAD no frequency). This variant has not been reported in the literature in individuals affected with G6PD-related conditions. Advanced modeling of protein sequence and biophysical properties (such as structural, functional, and spatial information, amino acid conservation, physicochemical variation, residue mobility, and thermodynamic stability) performed at Invitae indicates that this missense variant is expected to disrupt G6PD protein function with a positive predictive value of 95%. In summary, the available evidence is currently insufficient to determine the role of this variant in disease. Therefore, it has been classified as a Variant of Uncertain Significance.